The following is an entry in ClinVar:

NM_000474.4(TWIST1):c.589T>G (p.Ser197Ala)

Genes: TWIST1 (twist family bHLH transcription factor 1; minus strand), LOC129998021 (ATAC-STARR-seq lymphoblastoid active region 25682; plus strand). Cytogenetic location: 7p21.1.
Variant type: single nucleotide variant.
Coding change: c.589T>G on transcript NM_000474.4 (MANE Select); coding-DNA position 589, T replaced by G.
Protein change: p.Ser197Ala; replaces serine 197 with alanine.
Molecular consequence: missense variant. On other transcripts: non-coding transcript variant (1).
Genome position (GRCh38, 1-based): chr7:19,116,733, A>C on the plus strand (T>G on the coding strand, the complement: TWIST1 is on the minus strand). VCF-style: chr7-19116733-A-C. GRCh37 (hg19) VCF-style: chr7-19156356-A-C.
Other names: short protein forms S197A.
Identifiers: ClinVar variation 4791584 (VCV004791584.1).

ClinVar aggregate classification (germline): Uncertain significance (1 of 4 stars; one submission).

Conditions:
Saethre-Chotzen syndrome (SCS). Also called: ACROCEPHALY, SKULL ASYMMETRY, AND MILD SYNDACTYLY; ACS III; CHOTZEN SYNDROME. Identifiers: Orphanet 794, MedGen C0175699, MONDO:0007042, OMIM 101400.
TWIST1-related craniosynostosis (CRS1). Also called: CRANIOSYNOSTOSIS 1. Identifiers: Orphanet 63440, MedGen C4551902, MONDO:0007399, OMIM 123100. Inheritance: Heterogenous inheritance pattern.

Submission:

Labcorp Genetics (formerly Invitae), Labcorp
Classification: Uncertain significance for TWIST1-related craniosynostosis; Saethre-Chotzen syndrome. Last evaluated: 2025-05-28. Review status: criteria provided, single submitter. Criteria: Invitae Variant Classification Sherloc (09022015). Collection method: clinical testing. Allele origin: germline.
Comment: This sequence change replaces serine, which is neutral and polar, with alanine, which is neutral and non-polar, at codon 197 of the TWIST1 protein (p.Ser197Ala). This variant is not present in population databases (gnomAD no frequency). This variant has not been reported in the literature in individuals affected with TWIST1-related conditions. An algorithm developed to predict the effect of missense changes on protein structure and function (PolyPhen-2) suggests that this variant is likely to be tolerated. In summary, the available evidence is currently insufficient to determine the role of this variant in disease. Therefore, it has been classified as a Variant of Uncertain Significance.